The following is an entry in ClinVar:

NM_000321.3(RB1):c.2017C>T (p.His673Tyr)

Gene: RB1 (RB transcriptional corepressor 1; plus strand). Cytogenetic location: 13q14.2.
Variant type: single nucleotide variant.
Coding change: c.2017C>T on transcript NM_000321.3 (MANE Select); coding-DNA position 2017, C replaced by T.
Protein change: p.His673Tyr; replaces histidine 673 with tyrosine.
Molecular consequence: missense variant.
Genome position (GRCh38, 1-based): chr13:48,459,744, C>T. VCF-style: chr13-48459744-C-T. GRCh37 (hg19) VCF-style: chr13-49033880-C-T.
Other names: c.2017C>T, p.His673Tyr (NM_001407165.1); short protein forms H673Y.
Identifiers: ClinVar variation 2960455 (VCV002960455.5), dbSNP rs79200171, ClinGen allele CA388166771.
Genomic context (GRCh38, chr13:48,459,744, plus strand): 5'-ACAGTGTATCGGCTAGCCTATCTCCGGCTAAATACACTTTGTGAACGCCTTCTGTCTGAG[C>T]ACCCAGAATTAGAACATATCATCTGGACCCTTTTCCAGCACACCCTGCAGAATGAGTATG-3'
Protein context (NP_000312.2, residues 663-683): NTLCERLLSE[His673Tyr]PELEHIIWTL

ClinVar aggregate classification (germline): Uncertain significance. Review status: criteria provided, multiple submitters, no conflicts (2 of 4 stars). 3 submissions from 3 submitters: Uncertain significance (3). Last evaluated 2025-06-06.

Conditions:
Retinoblastoma (RB1). Also called: RETINOBLASTOMA, SOMATIC. Identifiers: Orphanet 790, MedGen C0035335, MeSH D012175, MONDO:0008380, OMIM 180200, HP:0009919. Disease mechanism: loss of function. Inheritance: Both sporadic and heritable forms are tested..
Hereditary cancer-predisposing syndrome. Also called: Tumor predisposition; Hereditary neoplastic syndrome; Hereditary Cancer Syndrome; Neoplastic Syndromes, Hereditary. Identifiers: Orphanet 140162, MedGen C0027672, MeSH D009386, MONDO:0015356.
Bone osteosarcoma. Also called: Osteosarcoma, somatic. Identifiers: Orphanet 668, MedGen C0585442, MONDO:0002629, OMIM 259500.
Small cell lung carcinoma. Also called: Small cell lung cancer; Lung oat cell carcinoma; SMALL CELL CANCER OF THE LUNG, SOMATIC. Identifiers: Orphanet 70573, MedGen C0149925, MeSH D055752, MONDO:0008433, OMIM 182280, HP:0030357.
Malignant tumor of urinary bladder. Also called: Bladder cancer; Urinary bladder cancer; Urinary Bladder Neoplasms. Identifiers: MedGen C0005684, MONDO:0001187, OMIM 109800.

Submissions (3):

Ambry Genetics
Classification: Uncertain significance for Hereditary cancer-predisposing syndrome. Last evaluated: 2025-06-06. Review status: criteria provided, single submitter. Criteria: Ambry Variant Classification Scheme 2023. Collection method: clinical testing. Allele origin: germline.
Comment: The p.H673Y variant (also known as c.2017C>T), located in coding exon 20 of the RB1 gene, results from a C to T substitution at nucleotide position 2017. The histidine at codon 673 is replaced by tyrosine, an amino acid with similar properties. This amino acid position is conserved. In addition, the in silico prediction for this alteration is inconclusive. Based on the available evidence, the clinical significance of this variant remains unclear.

Fulgent Genetics
Classification: Uncertain significance for Malignant tumor of urinary bladder; Retinoblastoma; Small cell lung carcinoma; Bone osteosarcoma. Last evaluated: 2024-04-05. Review status: criteria provided, single submitter. Criteria: ACMG Guidelines, 2015. Collection method: clinical testing. Allele origin: germline.

Labcorp Genetics (formerly Invitae), Labcorp
Classification: Uncertain significance for Retinoblastoma. Last evaluated: 2023-11-07. Review status: criteria provided, single submitter. Criteria: Invitae Variant Classification Sherloc (09022015). Collection method: clinical testing. Allele origin: germline.
Comment: This sequence change replaces histidine, which is basic and polar, with tyrosine, which is neutral and polar, at codon 673 of the RB1 protein (p.His673Tyr). This variant is not present in population databases (gnomAD no frequency). This variant has not been reported in the literature in individuals affected with RB1-related conditions. Advanced modeling of protein sequence and biophysical properties (such as structural, functional, and spatial information, amino acid conservation, physicochemical variation, residue mobility, and thermodynamic stability) performed at Invitae indicates that this missense variant is expected to disrupt RB1 protein function with a positive predictive value of 80%. In summary, the available evidence is currently insufficient to determine the role of this variant in disease. Therefore, it has been classified as a Variant of Uncertain Significance.